The following is an entry in ClinVar:

NM_004360.5(CDH1):c.1858C>G (p.Pro620Ala)

Gene: CDH1 (cadherin 1; plus strand). Cytogenetic location: 16q22.1.
Variant type: single nucleotide variant.
Coding change: c.1858C>G on transcript NM_004360.5 (MANE Select); coding-DNA position 1858, C replaced by G.
Protein change: p.Pro620Ala; replaces proline 620 with alanine.
Molecular consequence: missense variant. On other transcripts: 5 prime UTR variant (1).
Genome position (GRCh38, 1-based): chr16:68,822,147, C>G. VCF-style: chr16-68822147-C-G. GRCh37 (hg19) VCF-style: chr16-68856050-C-G.
Other names: c.1675C>G, p.Pro559Ala (NM_001317184.2); c.310C>G, p.Pro104Ala (NM_001317185.2); c.-108C>G (NM_001317186.2); short protein forms P620A, P559A, P104A.
Identifiers: ClinVar variation 2880910 (VCV002880910.3), dbSNP rs786201888, ClinGen allele CA396467038.
Genomic context (GRCh38, chr16:68,822,147, plus strand): 5'-ATATTCTTCTGTGAGAGGAATCCAAAGCCTCAGGTCATAAACATCATTGATGCAGACCTT[C>G]CTCCCAATACATCTCCCTTCACAGCAGAACTAACACACGGGGCGAGTGCCAACTGGACCA-3'
Protein context (NP_004351.1, residues 610-630): QVINIIDADL[Pro620Ala]PNTSPFTAEL

ClinVar aggregate classification (germline): Uncertain significance (1 of 4 stars; one submission).

Conditions:
Hereditary diffuse gastric adenocarcinoma (HDGC). Also called: DIFFUSE GASTRIC AND LOBULAR BREAST CANCER SYNDROME. Identifiers: Orphanet 26106, MedGen C1708349, MONDO:0007648, OMIM 137215.

Submission:

Labcorp Genetics (formerly Invitae), Labcorp
Classification: Uncertain significance for Hereditary diffuse gastric adenocarcinoma. Last evaluated: 2023-04-24. Review status: criteria provided, single submitter. Criteria: Invitae Variant Classification Sherloc (09022015). Collection method: clinical testing. Allele origin: germline.
Comment: An algorithm developed to predict the effect of missense changes on protein structure and function (PolyPhen-2) suggests that this variant is likely to be tolerated. In summary, the available evidence is currently insufficient to determine the role of this variant in disease. Therefore, it has been classified as a Variant of Uncertain Significance. This variant has not been reported in the literature in individuals affected with CDH1-related conditions. This variant is not present in population databases (gnomAD no frequency). This sequence change replaces proline, which is neutral and non-polar, with alanine, which is neutral and non-polar, at codon 620 of the CDH1 protein (p.Pro620Ala).